The following is an entry in ClinVar:

ClinVar aggregate classification (germline): Likely pathogenic (1 of 4 stars; one submission).

Conditions:
Autosomal recessive nonsyndromic hearing loss 84A. Also called: DEAFNESS, AUTOSOMAL RECESSIVE 84A; DEAFNESS, AUTOSOMAL RECESSIVE 84A, WITH VESTIBULAR DYSFUNCTION. Identifiers: Orphanet 90636, MedGen C3150654, MONDO:0013249, OMIM 613391.

Submission:

Institute of Rare Diseases, West China Hospital, Sichuan University
Classification: Likely pathogenic for Autosomal recessive nonsyndromic hearing loss 84A. Last evaluated: 2025-01-09. Review status: criteria provided, single submitter. Criteria: ClinGen HL ACMG Specifications v1. Collection method: research. Allele origin: germline. Affected: yes.
Comment: PVS1;PM2_Supporting

NM_001145026.2(PTPRQ):c.5943-2A>T

Gene: PTPRQ (protein tyrosine phosphatase receptor type Q; plus strand). Cytogenetic location: 12q21.31.
Variant type: single nucleotide variant.
Coding change: c.5943-2A>T on transcript NM_001145026.2 (MANE Select); the canonical splice acceptor site of the intron before coding-DNA position 5943, A replaced by T.
Molecular consequence: splice acceptor variant.
Genome position (GRCh38, 1-based): chr12:80,649,586, A>T. VCF-style: chr12-80649586-A-T. GRCh37 (hg19) VCF-style: chr12-81043365-A-T.
Identifiers: ClinVar variation 3601707 (VCV003601707.1).